The following is an entry in ClinVar:

NM_000548.5(TSC2):c.1946+3A>G

Gene: TSC2 (TSC complex subunit 2; plus strand). Cytogenetic location: 16p13.3.
Variant type: single nucleotide variant.
Coding change: c.1946+3A>G on transcript NM_000548.5 (MANE Select); 3 bases into the intron after coding-DNA position 1946, A replaced by G.
Molecular consequence: intron variant.
Genome position (GRCh38, 1-based): chr16:2,071,619, A>G. VCF-style: chr16-2071619-A-G. GRCh37 (hg19) VCF-style: chr16-2121620-A-G.
Other names: c.1946+3A>G (NM_001114382.3, NM_021055.3, NM_001370405.1 and 4 more transcripts); c.1835+3A>G (NM_001318827.2); c.1346+3A>G (NM_001318831.2); c.1799+3A>G (NM_001318829.2); c.1979+3A>G (NM_001318832.2).
Identifiers: ClinVar variation 2143518 (VCV002143518.5), dbSNP rs1596342841, ClinGen allele CA2580090633.

ClinVar aggregate classification (germline): Conflicting classifications of pathogenicity. Review status: criteria provided, conflicting classifications (1 of 4 stars). 2 submissions from 2 submitters: Uncertain significance (1); Likely benign (1). Last evaluated 2024-04-30.

Conditions:
Tuberous sclerosis 2 (TSC2). Identifiers: Orphanet 805, MedGen C1860707, MONDO:0013199, OMIM 613254.
Hereditary cancer-predisposing syndrome. Also called: Neoplastic Syndromes, Hereditary; Hereditary neoplastic syndrome; Hereditary Cancer Syndrome; Tumor predisposition. Identifiers: Orphanet 140162, MedGen C0027672, MeSH D009386, MONDO:0015356.

Submissions (2):

Ambry Genetics
Classification: Uncertain significance for Hereditary cancer-predisposing syndrome. Last evaluated: 2024-04-30. Review status: criteria provided, single submitter. Criteria: Ambry Variant Classification Scheme 2023. Collection method: clinical testing. Allele origin: germline.
Comment: The c.1946+3A>G intronic variant results from an A to G substitution 3 nucleotides after coding exon 17 in the TSC2 gene. This nucleotide position is not well conserved in available vertebrate species. In silico splice site analysis for this alteration is inconclusive. Based on the available evidence, the clinical significance of this variant remains unclear.

Labcorp Genetics (formerly Invitae), Labcorp
Classification: Likely benign for Tuberous sclerosis 2. Last evaluated: 2024-04-22. Review status: criteria provided, single submitter. Criteria: Invitae Variant Classification Sherloc (09022015). Collection method: clinical testing. Allele origin: germline.